The following is an entry in ClinVar:

NM_004311.4(ARL3):c.241T>G (p.Tyr81Asp)

Gene: ARL3 (ARF like GTPase 3; minus strand). Cytogenetic location: 10q24.32.
Variant type: single nucleotide variant.
Coding change: c.241T>G on transcript NM_004311.4 (MANE Select); coding-DNA position 241, T replaced by G.
Protein change: p.Tyr81Asp; replaces tyrosine 81 with aspartic acid.
Molecular consequence: missense variant.
Genome position (GRCh38, 1-based): chr10:102,699,396, A>C on the plus strand (T>G on the coding strand, the complement: ARL3 is on the minus strand). VCF-style: chr10-102699396-A-C. GRCh37 (hg19) VCF-style: chr10-104459153-A-C.
Other names: short protein forms Y81D.
Identifiers: ClinVar variation 1045649 (VCV001045649.8), dbSNP rs2064266095, ClinGen allele CA377922691.

ClinVar aggregate classification (germline): Uncertain significance (1 of 4 stars; one submission).

Submission:

Labcorp Genetics (formerly Invitae), Labcorp
Classification: Uncertain significance. Last evaluated: 2022-01-07. Review status: criteria provided, single submitter. Criteria: Invitae Variant Classification Sherloc (09022015). Collection method: clinical testing. Allele origin: germline.
Comment: In summary, the available evidence is currently insufficient to determine the role of this variant in disease. Therefore, it has been classified as a Variant of Uncertain Significance. Algorithms developed to predict the effect of missense changes on protein structure and function (SIFT, PolyPhen-2, Align-GVGD) all suggest that this variant is likely to be disruptive. ClinVar contains an entry for this variant (Variation ID: 1045649). This missense change has been observed in individual(s) with retinitis pigmentosa (Invitae). This variant is not present in population databases (gnomAD no frequency). This sequence change replaces tyrosine, which is neutral and polar, with aspartic acid, which is acidic and polar, at codon 81 of the ARL3 protein (p.Tyr81Asp).